The following is an entry in ClinVar:

ClinVar aggregate classification (germline): Uncertain significance (1 of 4 stars; one submission).

gnomAD v4.1: 4 of 1,613,506 alleles (0.00025%); highest among the groups gnomAD compares: Admixed American, 0.0067%; no homozygotes.

Submission:

Ambry Genetics
Classification: Uncertain significance. Last evaluated: 2024-12-20. Review status: criteria provided, single submitter. Criteria: Ambry Variant Classification Scheme 2023. Collection method: clinical testing. Allele origin: germline.
Comment: The p.V724M variant (also known as c.2170G>A), located in coding exon 4 of the CDK12 gene, results from a G to A substitution at nucleotide position 2170. The valine at codon 724 is replaced by methionine, an amino acid with highly similar properties. This amino acid position is conserved. In addition, the in silico prediction for this alteration is inconclusive. Based on the available evidence, the clinical significance of this variant remains unclear.

NM_016507.4(CDK12):c.2170G>A (p.Val724Met)

Gene: CDK12 (cyclin dependent kinase 12; plus strand). Cytogenetic location: 17q12.
Variant type: single nucleotide variant.
Coding change: c.2170G>A on transcript NM_016507.4 (MANE Select); coding-DNA position 2170, G replaced by A.
Protein change: p.Val724Met; replaces valine 724 with methionine.
Molecular consequence: missense variant.
Genome position (GRCh38, 1-based): chr17:39,492,812, G>A. VCF-style: chr17-39492812-G-A. GRCh37 (hg19) VCF-style: chr17-37649065-G-A.
Other names: c.2170G>A, p.Val724Met (NM_015083.4); short protein forms V724M.
Identifiers: ClinVar variation 3830383 (VCV003830383.1).